The following is an entry in ClinVar:

ClinVar aggregate classification (germline): Uncertain significance. Review status: criteria provided, multiple submitters, no conflicts (2 of 4 stars). 2 submissions from 2 submitters: Uncertain significance (2). Last evaluated 2019-12-06.

Conditions:
Loeys-Dietz syndrome 4 (LDS4). Also called: ANEURYSM, AORTIC AND CEREBRAL, WITH ARTERIAL TORTUOSITY AND SKELETAL MANIFESTATIONS; TGFB2-Related Loeys-Dietz Syndrome. Identifiers: MedGen C3553762, MONDO:0013897, OMIM 614816.

Allele frequency attached by ClinVar (database versions not stated): gnomAD exomes below 0.00001.
gnomAD v4.1: 2 of 1,613,986 alleles (0.00012%); highest among the groups gnomAD compares: Non-Finnish European, 0.000085%; no homozygotes.

Submissions (2):

Labcorp Genetics (formerly Invitae), Labcorp
Classification: Uncertain significance for Loeys-Dietz syndrome 4. Last evaluated: 2019-12-06. Review status: criteria provided, single submitter. Criteria: Invitae Variant Classification Sherloc (09022015). Collection method: clinical testing. Allele origin: germline.
Comment: This variant has not been reported in the literature in individuals with TGFB2-related conditions. This variant is not present in population databases (ExAC no frequency). This sequence change replaces alanine with valine at codon 82 of the TGFB2 protein (p.Ala82Val). The alanine residue is highly conserved and there is a small physicochemical difference between alanine and valine. Algorithms developed to predict the effect of missense changes on protein structure and function (SIFT, PolyPhen-2, Align-GVGD) all suggest that this variant is likely to be tolerated, but these predictions have not been confirmed by published functional studies and their clinical significance is uncertain. Algorithms developed to predict the effect of sequence changes on RNA splicing suggest that this variant may create or strengthen a splice site, but this prediction has not been confirmed by published transcriptional studies. In summary, the available evidence is currently insufficient to determine the role of this variant in disease. Therefore, it has been classified as a Variant of Uncertain Significance.

CeGaT Center for Human Genetics Tuebingen
Classification: Uncertain significance. Last evaluated: 2019-03-01. Review status: criteria provided, single submitter. Criteria: CeGaT Center For Human Genetics Tuebingen Variant Classification Criteria Version 2. Collection method: clinical testing. Allele origin: germline. Affected: yes. Observed: 1 variant allele.

NM_003238.6(TGFB2):c.245C>T (p.Ala82Val)

Gene: TGFB2 (transforming growth factor beta 2; plus strand). Cytogenetic location: 1q41.
Variant type: single nucleotide variant.
Coding change: c.245C>T on transcript NM_003238.6 (MANE Select); coding-DNA position 245, C replaced by T.
Protein change: p.Ala82Val; replaces alanine 82 with valine.
Molecular consequence: missense variant. On other transcripts: non-coding transcript variant (2).
Genome position (GRCh38, 1-based): chr1:218,346,946, C>T. VCF-style: chr1-218346946-C-T. GRCh37 (hg19) VCF-style: chr1-218520288-C-T.
Other names: c.245C>T, p.Ala82Val (NM_001135599.4); short protein forms A82V.
Identifiers: ClinVar variation 806360 (VCV000806360.51), dbSNP rs1571821016, ClinGen allele CA344725610.
Genomic context (GRCh38, chr1:218,346,946, plus strand): 5'-AAGTCCCCCCGGAGGTGATTTCCATCTACAACAGCACCAGGGACTTGCTCCAGGAGAAGG[C>T]GAGCCGGAGGGCGGCCGCCTGCGAGCGCGAGAGGAGCGACGAAGAGTACTACGCCAAGGA-3'
Protein context (NP_003229.1, residues 72-92): NSTRDLLQEK[Ala82Val]SRRAAACERE